The following is an entry in ClinVar:

ClinVar aggregate classification (germline): Uncertain significance (1 of 4 stars; one submission).

Submission:

Labcorp Genetics (formerly Invitae), Labcorp
Classification: Uncertain significance. Last evaluated: 2024-07-03. Review status: criteria provided, single submitter. Criteria: Invitae Variant Classification Sherloc (09022015). Collection method: clinical testing. Allele origin: germline.
Comment: This sequence change affects codon 3615 of the HMCN1 mRNA. It is a 'silent' change, meaning that it does not change the encoded amino acid sequence of the HMCN1 protein. This variant is not present in population databases (gnomAD no frequency). This variant has not been reported in the literature in individuals affected with HMCN1-related conditions. ClinVar contains an entry for this variant (Variation ID: 2040465). Algorithms developed to predict the effect of sequence changes on RNA splicing suggest that this variant may disrupt the consensus splice site. In summary, the available evidence is currently insufficient to determine the role of this variant in disease. Therefore, it has been classified as a Variant of Uncertain Significance.

NM_031935.3(HMCN1):c.10845A>G (p.Arg3615=)

Gene: HMCN1 (hemicentin 1; plus strand). Cytogenetic location: 1q31.1.
Variant type: single nucleotide variant.
Coding change: c.10845A>G on transcript NM_031935.3 (MANE Select); coding-DNA position 10845, A replaced by G.
Protein change: p.Arg3615=; no amino-acid change (arginine 3615 retained).
Molecular consequence: synonymous variant.
Genome position (GRCh38, 1-based): chr1:186,106,958, A>G. VCF-style: chr1-186106958-A-G. GRCh37 (hg19) VCF-style: chr1-186076090-A-G.
Identifiers: ClinVar variation 2040465 (VCV002040465.4), dbSNP rs2527974016, ClinGen allele CA422334016.